The following is an entry in ClinVar:

ClinVar aggregate classification (germline): Uncertain significance. Review status: criteria provided, multiple submitters, no conflicts (2 of 4 stars). 5 submissions from 5 submitters: Uncertain significance (4). 1 of the submissions does not count toward it. Last evaluated 2024-10-09.

Conditions:
Warburg micro syndrome 2 (WARBM2). Also called: MICRO SYNDROME 2. Identifiers: Orphanet 2510, MedGen C3280214, MONDO:0013641, OMIM 614225.
Martsolf syndrome (MARTS). Also called: Congenital cataract with intellectual disability and hypogonadotropic hypogonadism syndrome. Identifiers: Orphanet 1387, MedGen C0796037, MONDO:0023910.

Allele frequency attached by ClinVar (database versions not stated): ExAC 0.00002; gnomAD 0.00003 and 0.00004; TOPMed 0.00003; gnomAD exomes 0.00005.
gnomAD v4.1: 51 of 1,614,122 alleles (0.0032%); highest among the groups gnomAD compares: Middle Eastern, 0.3%; no homozygotes.

Submissions (5):

Blueprint Genetics
Classification: Uncertain significance. Last evaluated: 2024-10-09. Review status: criteria provided, single submitter. Criteria: ACMG Guidelines, 2015. Collection method: clinical testing. Allele origin: germline.

Labcorp Genetics (formerly Invitae), Labcorp
Classification: Uncertain significance for Martsolf syndrome; Warburg micro syndrome 2. Last evaluated: 2023-11-27. Review status: criteria provided, single submitter. Criteria: Invitae Variant Classification Sherloc (09022015). Collection method: clinical testing. Allele origin: germline.
Comment: This sequence change replaces alanine, which is neutral and non-polar, with valine, which is neutral and non-polar, at codon 841 of the RAB3GAP2 protein (p.Ala841Val). This variant is present in population databases (rs764713903, gnomAD 0.01%). This missense change has been observed in individual(s) with Warburg micro syndrome (PMID: 32740904). ClinVar contains an entry for this variant (Variation ID: 211985). Advanced modeling of protein sequence and biophysical properties (such as structural, functional, and spatial information, amino acid conservation, physicochemical variation, residue mobility, and thermodynamic stability) performed at Invitae indicates that this missense variant is not expected to disrupt RAB3GAP2 protein function with a negative predictive value of 80%. In summary, the available evidence is currently insufficient to determine the role of this variant in disease. Therefore, it has been classified as a Variant of Uncertain Significance.

Genetic Services Laboratory, University of Chicago
Classification: Uncertain significance. Last evaluated: 2014-05-06. Review status: criteria provided, single submitter. Criteria: ACMG Guidelines, 2015. Collection method: clinical testing. Allele origin: germline.

Breakthrough Genomics
Classification: Uncertain significance. Review status: criteria provided, single submitter. Criteria: ACMG Guidelines, 2015. Collection method: not provided. Allele origin: germline. Inheritance: Autosomal recessive inheritance. Affected: yes.

Pathology and Clinical Laboratory Medicine, King Fahad Medical City
Classification: Benign for Warburg micro syndrome 2. Review status: no assertion criteria provided. Criteria: ACMG Guidelines, 2015. Collection method: clinical testing. Allele origin: germline. Affected: yes. Not counted in ClinVar's aggregate classification.

Literature cited by the submitters: PubMed 32740904 (cited by Labcorp Genetics (formerly Invitae), Labcorp).

NM_012414.4(RAB3GAP2):c.2522C>T (p.Ala841Val)

Gene: RAB3GAP2 (RAB3 GTPase activating non-catalytic protein subunit 2; minus strand). Cytogenetic location: 1q41.
Variant type: single nucleotide variant.
Coding change: c.2522C>T on transcript NM_012414.4 (MANE Select); coding-DNA position 2522, C replaced by T.
Protein change: p.Ala841Val; replaces alanine 841 with valine.
Molecular consequence: missense variant.
Genome position (GRCh38, 1-based): chr1:220,171,944, G>A on the plus strand (C>T on the coding strand, the complement: RAB3GAP2 is on the minus strand). VCF-style: chr1-220171944-G-A. GRCh37 (hg19) VCF-style: chr1-220345286-G-A.
Other names: short protein forms A841V.
Identifiers: ClinVar variation 211985 (VCV000211985.14), dbSNP rs764713903, ClinGen allele CA208631.